The following is an entry in ClinVar:

NM_020877.5(DNAH2):c.10669C>T (p.Arg3557Trp)

Gene: DNAH2 (dynein axonemal heavy chain 2; plus strand). Cytogenetic location: 17p13.1.
Variant type: single nucleotide variant.
Coding change: c.10669C>T on transcript NM_020877.5 (MANE Select); coding-DNA position 10669, C replaced by T.
Protein change: p.Arg3557Trp; replaces arginine 3557 with tryptophan.
Molecular consequence: missense variant.
Genome position (GRCh38, 1-based): chr17:7,818,775, C>T. VCF-style: chr17-7818775-C-T. GRCh37 (hg19) VCF-style: chr17-7722093-C-T.
Other names: short protein forms R3557W.
Identifiers: ClinVar variation 5005832 (VCV005005832.2).

ClinVar aggregate classification (germline): Uncertain significance (1 of 4 stars; one submission).

Conditions:
Spermatogenic failure 45. Identifiers: MedGen C5436791, MONDO:0033671, OMIM 619094.

gnomAD v4.1: 13 of 1,613,886 alleles (0.00081%); highest among the groups gnomAD compares: African/African-American, 0.004%; no homozygotes.

Submission:

Juno Genomics, Hangzhou Juno Genomics, Inc
Classification: Uncertain significance for Spermatogenic failure 45. Review status: criteria provided, single submitter. Criteria: ACMG Guidelines, 2015. Collection method: clinical testing. Allele origin: germline.
Comment: Absent from controls (or at extremely low frequency if recessive) in Genome Aggregation Database.;Missense variant in a gene that has a low rate of benign missense variation.